The following is an entry in ClinVar:

NM_012472.6(DNAAF11):c.481G>T (p.Asp161Tyr)

Gene: DNAAF11 (dynein axonemal assembly factor 11; minus strand). Cytogenetic location: 8q24.22.
Variant type: single nucleotide variant.
Coding change: c.481G>T on transcript NM_012472.6 (MANE Select); coding-DNA position 481, G replaced by T.
Protein change: p.Asp161Tyr; replaces aspartic acid 161 with tyrosine.
Molecular consequence: missense variant. On other transcripts: non-coding transcript variant (1).
Genome position (GRCh38, 1-based): chr8:132,632,912, C>A on the plus strand (G>T on the coding strand, the complement: DNAAF11 is on the minus strand). VCF-style: chr8-132632912-C-A. GRCh37 (hg19) VCF-style: chr8-133645158-C-A.
Other names: c.481G>T, p.Asp161Tyr (NM_001321961.2); c.235G>T, p.Asp79Tyr (NM_001321962.2); c.121G>T, p.Asp41Tyr (NM_001321963.2, NM_001321964.2, NM_001321965.2 and 1 more transcripts); short protein forms D41Y, D161Y, D79Y.
Identifiers: ClinVar variation 2018797 (VCV002018797.4), dbSNP rs1056908657, ClinGen allele CA186274934.

ClinVar aggregate classification (germline): Uncertain significance (1 of 4 stars; one submission).

Conditions:
Primary ciliary dyskinesia 19. Also called: CILIARY DYSKINESIA, PRIMARY, 19, WITH OR WITHOUT SITUS INVERSUS. Identifiers: Orphanet 244, MedGen C3543826, MONDO:0013979, OMIM 614935.

Allele frequency attached by ClinVar (database versions not stated): TOPMed below 0.00001; gnomAD 0.00001.
gnomAD v4.1: 3 of 1,613,720 alleles (0.00019%); highest among the groups gnomAD compares: African/African-American, 0.0027%; no homozygotes.

Submission:

Labcorp Genetics (formerly Invitae), Labcorp
Classification: Uncertain significance for Primary ciliary dyskinesia 19. Last evaluated: 2024-04-15. Review status: criteria provided, single submitter. Criteria: Invitae Variant Classification Sherloc (09022015). Collection method: clinical testing. Allele origin: germline.
Comment: This sequence change replaces aspartic acid, which is acidic and polar, with tyrosine, which is neutral and polar, at codon 161 of the LRRC6 protein (p.Asp161Tyr). This variant is present in population databases (no rsID available, gnomAD 0.004%). This variant has not been reported in the literature in individuals affected with LRRC6-related conditions. ClinVar contains an entry for this variant (Variation ID: 2018797). Advanced modeling of protein sequence and biophysical properties (such as structural, functional, and spatial information, amino acid conservation, physicochemical variation, residue mobility, and thermodynamic stability) performed at Invitae indicates that this missense variant is not expected to disrupt LRRC6 protein function with a negative predictive value of 80%. In summary, the available evidence is currently insufficient to determine the role of this variant in disease. Therefore, it has been classified as a Variant of Uncertain Significance.